The following is an entry in ClinVar:

ClinVar aggregate classification (germline): Uncertain significance. Review status: criteria provided, multiple submitters, no conflicts (2 of 4 stars). 2 submissions from 2 submitters: Uncertain significance (2). Last evaluated 2025-03-27.

gnomAD v4.1: 4 of 1,614,054 alleles (0.00025%); highest among the groups gnomAD compares: Non-Finnish European, 0.00025%; no homozygotes.

Submissions (2):

Labcorp Genetics (formerly Invitae), Labcorp
Classification: Uncertain significance. Last evaluated: 2025-03-27. Review status: criteria provided, single submitter. Criteria: Invitae Variant Classification Sherloc (09022015). Collection method: clinical testing. Allele origin: germline.
Comment: This sequence change replaces glycine, which is neutral and non-polar, with valine, which is neutral and non-polar, at codon 1132 of the KMT2E protein (p.Gly1132Val). This variant is not present in population databases (gnomAD no frequency). This variant has not been reported in the literature in individuals affected with KMT2E-related conditions. ClinVar contains an entry for this variant (Variation ID: 2075976). Invitae Evidence Modeling of protein sequence and biophysical properties (such as structural, functional, and spatial information, amino acid conservation, physicochemical variation, residue mobility, and thermodynamic stability) indicates that this missense variant is not expected to disrupt KMT2E protein function with a negative predictive value of 80%. In summary, the available evidence is currently insufficient to determine the role of this variant in disease. Therefore, it has been classified as a Variant of Uncertain Significance.

GeneDx
Classification: Uncertain significance. Last evaluated: 2023-02-03. Review status: criteria provided, single submitter. Criteria: GeneDx Variant Classification Process June 2021. Collection method: clinical testing. Allele origin: germline. Affected: yes.
Comment: Not observed at significant frequency in large population cohorts (gnomAD); In silico analysis supports that this missense variant does not alter protein structure/function; Has not been previously published as pathogenic or benign to our knowledge

NM_182931.3(KMT2E):c.3395G>T (p.Gly1132Val)

Gene: KMT2E (lysine methyltransferase 2E (inactive); plus strand). Cytogenetic location: 7q22.3.
Variant type: single nucleotide variant.
Coding change: c.3395G>T on transcript NM_182931.3 (MANE Select); coding-DNA position 3395, G replaced by T.
Protein change: p.Gly1132Val; replaces glycine 1132 with valine.
Molecular consequence: missense variant.
Genome position (GRCh38, 1-based): chr7:105,107,852, G>T. VCF-style: chr7-105107852-G-T. GRCh37 (hg19) VCF-style: chr7-104748299-G-T.
Other names: c.3395G>T (NM_182931.2); c.3395G>T, p.Gly1132Val (NM_001410908.1, NM_018682.4); short protein forms G1132V.
Identifiers: ClinVar variation 2075976 (VCV002075976.5), dbSNP rs2536510807, ClinGen allele CA368789281.
Genomic context (GRCh38, chr7:105,107,852, plus strand): 5'-CTAGAGGCATGTTTATGGAAACAACTGTGTTTTGTACTTCCGAAGATGGGCTTGTATCTG[G>T]TTTCGGACGGACTGTTAATGACAATTTGATCGACGGGAATTGCACACCCCAGAATCCACC-3'
Protein context (NP_891847.1, residues 1122-1142): FCTSEDGLVS[Gly1132Val]FGRTVNDNLI